The following is an entry in ClinVar:

NM_004727.3(SLC24A1):c.2601AGAGCAGGAGGAAGAGGAGGAGGAGGA[3] (p.869QEEEEEEEE[3])

Gene: SLC24A1 (solute carrier family 24 member 1; plus strand). Cytogenetic location: 15q22.31.
Variant type: Microsatellite.
Coding change: c.2601AGAGCAGGAGGAAGAGGAGGAGGAGGA[3] on transcript NM_004727.3 (MANE Select); three copies in a row of the 27-base unit AGAGCAGGAGGAAGAGGAGGAGGAGGA starting at c.2601; the reference has two copies in a row; one copy, 27 bases duplicated.
Protein change: p.869QEEEEEEEE[3].
Molecular consequence: inframe insertion.
Genome position (GRCh38, 1-based): chr15:65,650,777-65,650,803, AGAGCAGGAGGAAGAGGAGGAGGAGGA duplicated; duplicating any 27 consecutive bases within chr15:65,650,739-65,650,803 gives the same sequence; the position shown is the placement nearest the transcript's 3' end. VCF-style (leftmost placement, unchanged base first): chr15-65650738-A-AGAGGAGGAGGAAGAGCAGGAGGAAGAG. GRCh37 (hg19) VCF-style: chr15-65943076-A-AGAGGAGGAGGAAGAGCAGGAGGAAGAG.
Other names: c.582AGAGCAGGAGGAAGAGGAGGAGGAGGA[3], p.196QEEEEEEEE[3] (NM_001254740.2); c.2601AGAGCAGGAGGAAGAGGAGGAGGAGGA[3], p.869QEEEEEEEE[3] (NM_001301031.1); c.2547AGAGCAGGAGGAAGAGGAGGAGGAGGA[3], p.851QEEEEEEEE[3] (NM_001301032.1, NM_001301033.2).
Identifiers: ClinVar variation 1441730 (VCV001441730.6), dbSNP rs780757079, ClinGen allele CA618958016.

ClinVar aggregate classification (germline): Uncertain significance (1 of 4 stars; one submission).

Submission:

Labcorp Genetics (formerly Invitae), Labcorp
Classification: Uncertain significance. Last evaluated: 2025-02-10. Review status: criteria provided, single submitter. Criteria: Invitae Variant Classification Sherloc (09022015). Collection method: clinical testing. Allele origin: germline.
Comment: This variant, c.2628_2654dup, results in the insertion of 9 amino acid(s) of the SLC24A1 protein (p.Gln878_Glu886dup), but otherwise preserves the integrity of the reading frame. The frequency data for this variant in the population databases is considered unreliable, as metrics indicate poor data quality at this position in the gnomAD database. This variant has not been reported in the literature in individuals affected with SLC24A1-related conditions. Experimental studies and prediction algorithms are not available or were not evaluated, and the functional significance of this variant is currently unknown. In summary, the available evidence is currently insufficient to determine the role of this variant in disease. Therefore, it has been classified as a Variant of Uncertain Significance.